The following is an entry in ClinVar:

NM_001111.5(ADAR):c.701C>A (p.Ser234Tyr)

Gene: ADAR (adenosine deaminase RNA specific; minus strand). Cytogenetic location: 1q21.3.
Variant type: single nucleotide variant.
Coding change: c.701C>A on transcript NM_001111.5 (MANE Select); coding-DNA position 701, C replaced by A.
Protein change: p.Ser234Tyr; replaces serine 234 with tyrosine.
Molecular consequence: missense variant. On other transcripts: 5 prime UTR variant (6).
Genome position (GRCh38, 1-based): chr1:154,601,941, G>T on the plus strand (C>A on the coding strand, the complement: ADAR is on the minus strand). VCF-style: chr1-154601941-G-T. GRCh37 (hg19) VCF-style: chr1-154574417-G-T.
Other names: c.-185C>A (NM_001025107.3, NM_001193495.2, NM_001365046.1 and 3 more transcripts); c.728C>A, p.Ser243Tyr (NM_001365045.1); c.701C>A, p.Ser234Tyr (NM_015840.4, NM_015841.4); short protein forms S234Y, S243Y.
Identifiers: ClinVar variation 1346899 (VCV001346899.6), dbSNP rs769223848, ClinGen allele CA342600375.

ClinVar aggregate classification (germline): Uncertain significance (1 of 4 stars; one submission).

Conditions:
Symmetrical dyschromatosis of extremities (DSH). Also called: DYSCHROMATOSIS SYMMETRICA HEREDITARIA 1; RETICULATE ACROPIGMENTATION OF DOHI; SYMMETRIC DYSCHROMATOSIS OF THE EXTREMITIES; Dyschromatosis symmetrica hereditaria. Identifiers: Orphanet 41, MedGen C0406775, MONDO:0007483, OMIM 127400.
Aicardi-Goutieres syndrome 6 (AGS6). Identifiers: Orphanet 51, MedGen C3539013, MONDO:0014007, OMIM 615010.

Allele frequency attached by ClinVar (database versions not stated): gnomAD exomes below 0.00001.
gnomAD v4.1: 6 of 1,614,026 alleles (0.00037%); highest among the groups gnomAD compares: Non-Finnish European, 0.00042%; no homozygotes.

Submission:

Labcorp Genetics (formerly Invitae), Labcorp
Classification: Uncertain significance for Aicardi-Goutieres syndrome 6; Symmetrical dyschromatosis of extremities. Last evaluated: 2025-10-02. Review status: criteria provided, single submitter. Criteria: Invitae Variant Classification Sherloc (09022015). Collection method: clinical testing. Allele origin: germline.
Comment: This sequence change replaces serine, which is neutral and polar, with tyrosine, which is neutral and polar, at codon 234 of the ADAR protein (p.Ser234Tyr). This variant is not present in population databases (gnomAD no frequency). This variant has not been reported in the literature in individuals affected with ADAR-related conditions. ClinVar contains an entry for this variant (Variation ID: 1346899). Experimental studies and prediction algorithms are not available or were not evaluated, and the functional significance of this variant is currently unknown. In summary, the available evidence is currently insufficient to determine the role of this variant in disease. Therefore, it has been classified as a Variant of Uncertain Significance.